The following is an entry in ClinVar:

NM_001127222.2(CACNA1A):c.4314T>G (p.Tyr1438Ter)

Gene: CACNA1A (calcium voltage-gated channel subunit alpha1 A; minus strand). Cytogenetic location: 19p13.13.
Variant type: single nucleotide variant.
Coding change: c.4314T>G on transcript NM_001127222.2 (MANE Select); coding-DNA position 4314, T replaced by G.
Protein change: p.Tyr1438Ter; replaces tyrosine 1438 with a stop codon.
Molecular consequence: nonsense.
Genome position (GRCh38, 1-based): chr19:13,259,638, A>C on the plus strand (T>G on the coding strand, the complement: CACNA1A is on the minus strand). VCF-style: chr19-13259638-A-C. GRCh37 (hg19) VCF-style: chr19-13370452-A-C.
Other names: c.4326T>G, p.Tyr1442Ter (NM_000068.4, NM_023035.3); c.4317T>G, p.Tyr1439Ter (NM_001127221.2, NM_001174080.2); short protein forms Y1438*, Y1439*, Y1442*.
Identifiers: ClinVar variation 1704333 (VCV001704333.1), dbSNP rs770679527, ClinGen allele CA404339360.

ClinVar aggregate classification (germline): Likely pathogenic (1 of 4 stars; one submission).

Conditions:
Episodic ataxia type 2 (EA2). Also called: EPISODIC ATAXIA, NYSTAGMUS-ASSOCIATED; ATAXIA, EPISODIC, WITH NYSTAGMUS; ATAXIA, FAMILIAL PAROXYSMAL; ACETAZOLAMIDE-RESPONSIVE HEREDITARY PAROXYSMAL CEREBELLAR ATAXIA; CEREBELLAR ATAXIA, PAROXYSMAL, ACETAZOLAMIDE-RESPONSIVE; CEREBELLOPATHY, HEREDITARY PAROXYSMAL. Identifiers: Orphanet 97, MedGen C1720416, MONDO:0007163, OMIM 108500.

Submission:

Department of Human Genetics, Hannover Medical School
Classification: Likely pathogenic for Episodic ataxia type 2. Last evaluated: 2022-09-12. Review status: criteria provided, single submitter. Criteria: ACMG Guidelines, 2015. Collection method: clinical testing. Allele origin: germline. Affected: yes.
Comment: This variant leads to a premature stop signal, most likely resulting in degradation of the formed mRNA via nonsense-mediated mRNA decay (NMD) and/or expression of a truncated protein. The above variant is not listed in the LOVD shared and ClinVar databases. The variant has not yet been detected in the normal population (population database gnomAD). Literature data is currently not available.